The following is an entry in ClinVar:

ClinVar aggregate classification (germline): Uncertain significance (1 of 4 stars; one submission).

Submission:

GeneDx
Classification: Uncertain significance. Last evaluated: 2024-02-20. Review status: criteria provided, single submitter. Criteria: GeneDx Variant Classification Process June 2021. Collection method: clinical testing. Allele origin: germline. Affected: yes.
Comment: Not observed at significant frequency in large population cohorts (gnomAD); In silico analysis supports that this missense variant has a deleterious effect on protein structure/function; Has not been previously published as pathogenic or benign to our knowledge; Variants in candidate genes are classified as variants of uncertain significance in accordance with ACMG guidelines (PMID: 25741868)

NM_017763.6(RNF43):c.452T>C (p.Leu151Pro)

Gene: RNF43 (ring finger protein 43; minus strand). Cytogenetic location: 17q22.
Variant type: single nucleotide variant.
Coding change: c.452T>C on transcript NM_017763.6 (MANE Select); coding-DNA position 452, T replaced by C.
Protein change: p.Leu151Pro; replaces leucine 151 with proline.
Molecular consequence: missense variant.
Genome position (GRCh38, 1-based): chr17:58,363,405, A>G on the plus strand (T>C on the coding strand, the complement: RNF43 is on the minus strand). VCF-style: chr17-58363405-A-G. GRCh37 (hg19) VCF-style: chr17-56440766-A-G.
Other names: c.452T>C, p.Leu151Pro (NM_001305544.3); c.71T>C, p.Leu24Pro (NM_001305545.2); short protein forms L151P, L24P.
Identifiers: ClinVar variation 3369457 (VCV003369457.1).